The following is an entry in ClinVar:

NM_003070.5(SMARCA2):c.3579C>A (p.Asn1193Lys)

Gene: SMARCA2 (SWI/SNF related BAF chromatin remodeling complex subunit ATPase 2; plus strand). Cytogenetic location: 9p24.3.
Variant type: single nucleotide variant.
Coding change: c.3579C>A on transcript NM_003070.5 (MANE Select); coding-DNA position 3579, C replaced by A.
Protein change: p.Asn1193Lys; replaces asparagine 1193 with lysine.
Molecular consequence: missense variant.
Genome position (GRCh38, 1-based): chr9:2,115,944, C>A. VCF-style: chr9-2115944-C-A. GRCh37 (hg19) VCF-style: chr9-2115944-C-A.
Other names: c.3579C>A, p.Asn1193Lys (NM_001289396.2, NM_139045.4); c.3405C>A, p.Asn1135Lys (NM_001289397.2); short protein forms N1135K, N1193K.
Identifiers: ClinVar variation 2098131 (VCV002098131.4), dbSNP rs948621105, ClinGen allele CA372788896.

ClinVar aggregate classification (germline): Uncertain significance (1 of 4 stars; one submission).

Submission:

Labcorp Genetics (formerly Invitae), Labcorp
Classification: Uncertain significance. Last evaluated: 2024-04-10. Review status: criteria provided, single submitter. Criteria: Invitae Variant Classification Sherloc (09022015). Collection method: clinical testing. Allele origin: germline.
Comment: This sequence change replaces asparagine, which is neutral and polar, with lysine, which is basic and polar, at codon 1193 of the SMARCA2 protein (p.Asn1193Lys). This variant is not present in population databases (gnomAD no frequency). This variant has not been reported in the literature in individuals affected with SMARCA2-related conditions. ClinVar contains an entry for this variant (Variation ID: 2098131). Advanced modeling of protein sequence and biophysical properties (such as structural, functional, and spatial information, amino acid conservation, physicochemical variation, residue mobility, and thermodynamic stability) performed at Invitae indicates that this missense variant is expected to disrupt SMARCA2 protein function with a positive predictive value of 80%. In summary, the available evidence is currently insufficient to determine the role of this variant in disease. Therefore, it has been classified as a Variant of Uncertain Significance.